The following is an entry in ClinVar:

NM_002300.8(LDHB):c.879A>G (p.Pro293=)

Gene: LDHB (lactate dehydrogenase B; minus strand). Cytogenetic location: 12p12.1.
Variant type: single nucleotide variant.
Coding change: c.879A>G on transcript NM_002300.8 (MANE Select); coding-DNA position 879, A replaced by G.
Protein change: p.Pro293=; no amino-acid change (proline 293 retained).
Molecular consequence: synonymous variant.
Genome position (GRCh38, 1-based): chr12:21,635,668, T>C on the plus strand (A>G on the coding strand, the complement: LDHB is on the minus strand). VCF-style: chr12-21635668-T-C. GRCh37 (hg19) VCF-style: chr12-21788602-T-C.
Other names: c.879A>G, p.Pro293= (NM_001174097.3, NM_001315537.2).
Identifiers: ClinVar variation 308015 (VCV000308015.9), dbSNP rs4828, ClinGen allele CA6480337.

ClinVar aggregate classification (germline): Benign. Review status: criteria provided, multiple submitters, no conflicts (2 of 4 stars). 3 submissions from 3 submitters: Benign (3). Last evaluated 2018-09-19.

Conditions:
Glycogen storage disease due to lactate dehydrogenase H-subunit deficiency. Identifiers: Orphanet 284435, MedGen C3279904, MONDO:0013587, OMIM 614128.

Allele frequency attached by ClinVar (database versions not stated): gnomAD 0.01958 and 0.01819; 1000 Genomes Project 0.02017; TOPMed 0.02049; 1000 Genomes Project 30x 0.02186; gnomAD exomes 0.00457; ExAC 0.00544; ESP Exome Variant Server 0.01907.
gnomAD v4.1: 5,489 of 1,613,708 alleles (0.34%); highest among the groups gnomAD compares: African/African-American, 6.5%; 168 homozygotes.

Submissions (3):

Labcorp Genetics (formerly Invitae), Labcorp
Classification: Benign. Last evaluated: 2018-09-19. Review status: criteria provided, single submitter. Criteria: Invitae Variant Classification Sherloc (09022015). Collection method: clinical testing. Allele origin: germline.

Illumina Laboratory Services, Illumina
Classification: Benign for Glycogen storage disease due to lactate dehydrogenase H-subunit deficiency. Last evaluated: 2018-01-13. Review status: criteria provided, single submitter. Criteria: ICSL Variant Classification Criteria 13 December 2019. Collection method: clinical testing. Allele origin: germline.
Comment: This variant was observed in the ICSL laboratory as part of a predisposition screen in an ostensibly healthy population. It had not been previously curated by ICSL or reported in the Human Gene Mutation Database (HGMD: prior to June 1st, 2018), and was therefore a candidate for classification through an automated scoring system. Utilizing variant allele frequency, disease prevalence and penetrance estimates, and inheritance mode, an automated score was calculated to assess if this variant is too frequent to cause the disease. Based on the score and internal cut-off values, a variant classified as benign is not then subjected to further curation. The score for this variant resulted in a classification of benign for this disease.

Breakthrough Genomics
Classification: Benign. Review status: criteria provided, single submitter. Criteria: ACMG Guidelines, 2015. Collection method: not provided. Allele origin: germline. Inheritance: Unknown mechanism. Affected: yes.